The following is an entry in ClinVar:

ClinVar aggregate classification (germline): Uncertain significance (1 of 4 stars; one submission).

Conditions:
Xanthinuria type II. Also called: Xanthine dehydrogenase and aldehyde oxidase combined deficiency of; XDH and AOX dual deficiency. Identifiers: Orphanet 3467, Orphanet 93602, MedGen C1863688, MONDO:0011346, OMIM 603592.

Allele frequency attached by ClinVar (database versions not stated): TOPMed below 0.00001; gnomAD 0.00001; ExAC 0.00003.
gnomAD v4.1: 1 of 1,614,046 alleles (0.000062%); highest among the groups gnomAD compares: Non-Finnish European, 0.000085%; no homozygotes.

Submission:

Labcorp Genetics (formerly Invitae), Labcorp
Classification: Uncertain significance for Xanthinuria type II. Last evaluated: 2023-08-17. Review status: criteria provided, single submitter. Criteria: Invitae Variant Classification Sherloc (09022015). Collection method: clinical testing. Allele origin: germline.
Comment: In summary, the available evidence is currently insufficient to determine the role of this variant in disease. Therefore, it has been classified as a Variant of Uncertain Significance. An algorithm developed to predict the effect of missense changes on protein structure and function (PolyPhen-2) suggests that this variant is likely to be disruptive. ClinVar contains an entry for this variant (Variation ID: 933541). This variant has not been reported in the literature in individuals affected with XDH-related conditions. This variant is not present in population databases (gnomAD no frequency). This sequence change replaces glutamic acid, which is acidic and polar, with lysine, which is basic and polar, at codon 692 of the XDH protein (p.Glu692Lys).

NM_000379.4(XDH):c.2074G>A (p.Glu692Lys)

Gene: XDH (xanthine dehydrogenase; minus strand). Cytogenetic location: 2p23.1.
Variant type: single nucleotide variant.
Coding change: c.2074G>A on transcript NM_000379.4 (MANE Select); coding-DNA position 2074, G replaced by A.
Protein change: p.Glu692Lys; replaces glutamic acid 692 with lysine.
Molecular consequence: missense variant.
Genome position (GRCh38, 1-based): chr2:31,368,567, C>T on the plus strand (G>A on the coding strand, the complement: XDH is on the minus strand). VCF-style: chr2-31368567-C-T. GRCh37 (hg19) VCF-style: chr2-31591433-C-T.
Other names: short protein forms E692K.
Identifiers: ClinVar variation 933541 (VCV000933541.9), dbSNP rs772739492, ClinGen allele CA1598971.